The following is an entry in ClinVar:

NM_000108.5(DLD):c.1452T>C (p.Cys484=)

Gene: DLD (dihydrolipoamide dehydrogenase; plus strand). Cytogenetic location: 7q31.1.
Variant type: single nucleotide variant.
Coding change: c.1452T>C on transcript NM_000108.5 (MANE Select); coding-DNA position 1452, T replaced by C.
Protein change: p.Cys484=; no amino-acid change (cysteine 484 retained).
Molecular consequence: synonymous variant.
Genome position (GRCh38, 1-based): chr7:107,919,087, T>C. VCF-style: chr7-107919087-T-C. GRCh37 (hg19) VCF-style: chr7-107559532-T-C.
Other names: p.Cys484=; c.1155T>C, p.Cys385= (NM_001289750.1); c.1383T>C, p.Cys461= (NM_001289751.1); c.1308T>C, p.Cys436= (NM_001289752.1).
Identifiers: ClinVar variation 724857 (VCV000724857.17), dbSNP rs760982359, ClinGen allele CA4434711.
Genomic context (GRCh38, chr7:107,919,087, plus strand): 5'-AAATGAAGCTGCTCTTGCTTTGGAATATGGAGCATCCTGTGAAGATATAGCTAGAGTCTG[T>C]CATGCACATCCGGTAATTATTAACAACATATAGAATTGATGGTTGCCTAAATTTTCTTCT-3'
Protein context (NP_000099.2, residues 474-494): GASCEDIARV[Cys484=]HAHPTLSEAF

ClinVar aggregate classification (germline): Likely benign. Review status: criteria provided, multiple submitters, no conflicts (2 of 4 stars). 6 submissions from 6 submitters: Likely benign (4). 2 of the submissions do not count toward it. Last evaluated 2025-12-28.

Conditions:
Pyruvate dehydrogenase E3 deficiency (DLDD). Also called: Dihydrolipoamide Dehydrogenase (E3) Deficiency; Dihydrolipoamide Dehydrogenase E3 Deficiency; MAPLE SYRUP URINE DISEASE, TYPE III; Lipoamide dehydrogenase deficiency, lactic acidosis due to; Lipoamide dehydrogenase deficiency; DLD DEFICIENCY. Identifiers: Orphanet 2394, Orphanet 765, MedGen C5574660, MONDO:0009529, OMIM 246900.
DLD-related disorder. Also called: DLD-related condition; DLD-related disorders.

Allele frequency attached by ClinVar (database versions not stated): gnomAD 0.00007 and 0.00008; gnomAD exomes 0.00014 and 0.00029; ExAC 0.00020; TOPMed 0.00024.

Submissions (6):

Labcorp Genetics (formerly Invitae), Labcorp
Classification: Likely benign for Pyruvate dehydrogenase E3 deficiency. Last evaluated: 2025-12-28. Review status: criteria provided, single submitter. Criteria: Invitae Variant Classification Sherloc (09022015). Collection method: clinical testing. Allele origin: germline.

Mayo Clinic Laboratories, Mayo Clinic
Classification: Likely benign. Last evaluated: 2024-11-14. Review status: criteria provided, single submitter. Criteria: ACMG Guidelines, 2015. Collection method: clinical testing. Allele origin: germline. Observed: 2 variant alleles.
Comment: BP4, BP7

GeneDx
Classification: Likely benign. Last evaluated: 2018-09-13. Review status: criteria provided, single submitter. Criteria: GeneDx Variant Classification Process June 2021. Collection method: clinical testing. Allele origin: germline. Affected: yes.

Breakthrough Genomics
Classification: Likely benign. Review status: criteria provided, single submitter. Criteria: ACMG Guidelines, 2015. Collection method: not provided. Allele origin: germline. Inheritance: Autosomal recessive inheritance. Affected: yes.

PreventionGenetics, part of Exact Sciences
Classification: Likely benign for DLD-related condition. Last evaluated: 2020-10-19. Review status: no assertion criteria provided. Collection method: clinical testing. Allele origin: germline. Not counted in ClinVar's aggregate classification.
Comment: This variant is classified as likely benign based on ACMG/AMP sequence variant interpretation guidelines (Richards et al. 2015 PMID: 25741868, with internal and published modifications).

Natera, Inc.
Classification: Likely benign for Maple syrup urine disease type 3. Last evaluated: 2020-10-12. Review status: no assertion criteria provided. Collection method: clinical testing. Allele origin: germline. Not counted in ClinVar's aggregate classification.